The following is an entry in ClinVar:

NM_001018005.2(TPM1):c.574G>T (p.Glu192Ter)

Gene: TPM1 (tropomyosin 1; plus strand). Cytogenetic location: 15q22.2.
Variant type: single nucleotide variant.
Coding change: c.574G>T on transcript NM_001018005.2 (MANE Select); coding-DNA position 574, G replaced by T.
Protein change: p.Glu192Ter; replaces glutamic acid 192 with a stop codon.
Molecular consequence: nonsense. On other transcripts: non-coding transcript variant (16), intron variant (21).
Genome position (GRCh38, 1-based): chr15:63,061,723, G>T. VCF-style: chr15-63061723-G-T. GRCh37 (hg19) VCF-style: chr15-63353922-G-T.
Other names: c.574G>T, p.Glu192Ter (NM_001018004.2, NM_001018007.2, NM_001301244.2 and 7 more transcripts); c.466G>T, p.Glu156Ter (NM_001018008.2, NM_001301289.2, NM_001330346.2 and 3 more transcripts); c.700G>T, p.Glu234Ter (NM_001365778.1, NM_001407324.1); c.639+450G>T (NM_001407336.1, NM_001018020.2, NM_001407326.1 and 10 more transcripts); c.765+450G>T (NM_001407323.1, NM_001407322.1); c.531+450G>T (NM_001330351.2, NM_001330344.2, NM_001365781.2 and 3 more transcripts); short protein forms E156*, E192*, E234*.
Identifiers: ClinVar variation 3074870 (VCV003074870.2), dbSNP rs199476315, ClinGen allele CA392724057.

ClinVar aggregate classification (germline): Uncertain significance. Review status: criteria provided, multiple submitters, no conflicts (2 of 4 stars). 2 submissions from 2 submitters: Uncertain significance (2). Last evaluated 2025-03-15.

Conditions:
Hypertrophic cardiomyopathy. Also called: HYPERTROPHIC MYOCARDIOPATHY. Identifiers: Orphanet 217569, MedGen C0007194, MeSH D002312, MONDO:0005045, HP:0001639.

gnomAD v4.1: 1 of 1,613,884 alleles (0.000062%); highest among the groups gnomAD compares: Non-Finnish European, 0.000085%; no homozygotes.

Submissions (2):

Labcorp Genetics (formerly Invitae), Labcorp
Classification: Uncertain significance for Hypertrophic cardiomyopathy. Last evaluated: 2025-03-15. Review status: criteria provided, single submitter. Criteria: Invitae Variant Classification Sherloc (09022015). Collection method: clinical testing. Allele origin: germline.
Comment: This sequence change creates a premature translational stop signal (p.Glu192*) in the TPM1 gene. It is expected to result in an absent or disrupted protein product. However, the current clinical and genetic evidence is not sufficient to establish whether loss-of-function variants in TPM1 cause disease. This variant is not present in population databases (gnomAD no frequency). This variant has not been reported in the literature in individuals affected with TPM1-related conditions. ClinVar contains an entry for this variant (Variation ID: 3074870). In summary, the available evidence is currently insufficient to determine the role of this variant in disease. Therefore, it has been classified as a Variant of Uncertain Significance.

All of Us Research Program, National Institutes of Health
Classification: Uncertain significance for Hypertrophic cardiomyopathy. Last evaluated: 2023-12-13. Review status: criteria provided, single submitter. Criteria: ACMG Guidelines, 2015. Collection method: clinical testing. Allele origin: germline. Inheritance: Autosomal dominant inheritance. Observed: 1 variant allele, 1 heterozygote.
Comment: This variant changes 1 nucleotide in exon 6 of the TPM1 gene, creating a premature translation stop signal. This variant is expected to result in an absent or non-functional protein product. To our knowledge, this variant has not been reported in individuals affected with TPM1-related disorders in the literature. This variant has not been identified in the general population by the Genome Aggregation Database (gnomAD). Clinical relevance of loss-of-function TPM1 truncation variants in autosomal dominant cardiovascular disorders is not clearly established. The available evidence is insufficient to determine the role of this variant in disease conclusively. Therefore, this variant is classified as a Variant of Uncertain Significance.

This study involves interpretation of variants in research participants for the purpose of population health screening. Participant phenotype was not available at the time of variant classification. Additional details can be found in publication PMID: 35346344, PMCID: PMC8962531